The following is an entry in ClinVar:

NM_003924.4(PHOX2B):c.940T>C (p.Phe314Leu)

Gene: PHOX2B (paired like homeobox 2B; minus strand). Cytogenetic location: 4p13.
Variant type: single nucleotide variant.
Coding change: c.940T>C on transcript NM_003924.4 (MANE Select); coding-DNA position 940, T replaced by C.
Protein change: p.Phe314Leu; replaces phenylalanine 314 with leucine.
Molecular consequence: missense variant.
Genome position (GRCh38, 1-based): chr4:41,745,812, A>G on the plus strand (T>C on the coding strand, the complement: PHOX2B is on the minus strand). VCF-style: chr4-41745812-A-G. GRCh37 (hg19) VCF-style: chr4-41747829-A-G.
Other names: short protein forms F314L.
Identifiers: ClinVar variation 849307 (VCV000849307.21), dbSNP rs1733865401, ClinGen allele CA356736619.

ClinVar aggregate classification (germline): Uncertain significance. Review status: criteria provided, multiple submitters, no conflicts (2 of 4 stars). 4 submissions from 4 submitters: Uncertain significance (4). Last evaluated 2025-09-01.

Conditions:
Hereditary cancer-predisposing syndrome. Also called: Hereditary Cancer Syndrome; Neoplastic Syndromes, Hereditary; Tumor predisposition; Hereditary neoplastic syndrome. Identifiers: Orphanet 140162, MedGen C0027672, MeSH D009386, MONDO:0015356.
Haddad syndrome (OHD). Also called: Ondine-Hirschsprung disease. Identifiers: Orphanet 99803, MedGen C1859049, MONDO:0020493.

Submissions (4):

CeGaT Center for Human Genetics Tuebingen
Classification: Uncertain significance. Last evaluated: 2025-09-01. Review status: criteria provided, single submitter. Criteria: CeGaT Center For Human Genetics Tuebingen Variant Classification Criteria Version 2. Collection method: clinical testing. Allele origin: germline. Affected: yes. Observed: 1 variant allele.
Comment: PHOX2B: PM2, PP3

Ambry Genetics
Classification: Uncertain significance for Hereditary cancer-predisposing syndrome. Last evaluated: 2025-08-10. Review status: criteria provided, single submitter. Criteria: Ambry Variant Classification Scheme 2023. Collection method: clinical testing. Allele origin: germline.
Comment: The p.F314L variant (also known as c.940T>C), located in coding exon 3 of the PHOX2B gene, results from a T to C substitution at nucleotide position 940. The phenylalanine at codon 314 is replaced by leucine, an amino acid with highly similar properties. This amino acid position is conserved. In addition, the in silico prediction for this alteration is inconclusive. Since supporting evidence is limited at this time, the clinical significance of this alteration remains unclear.

Labcorp Genetics (formerly Invitae), Labcorp
Classification: Uncertain significance for Haddad syndrome. Last evaluated: 2023-05-26. Review status: criteria provided, single submitter. Criteria: Invitae Variant Classification Sherloc (09022015). Collection method: clinical testing. Allele origin: germline.
Comment: In summary, the available evidence is currently insufficient to determine the role of this variant in disease. Therefore, it has been classified as a Variant of Uncertain Significance. Experimental studies and prediction algorithms are not available or were not evaluated, and the functional significance of this variant is currently unknown. This sequence change replaces phenylalanine, which is neutral and non-polar, with leucine, which is neutral and non-polar, at codon 314 of the PHOX2B protein (p.Phe314Leu). This variant is not present in population databases (gnomAD no frequency). This variant has not been reported in the literature in individuals affected with PHOX2B-related conditions. ClinVar contains an entry for this variant (Variation ID: 849307).

GeneDx
Classification: Uncertain significance. Last evaluated: 2022-03-10. Review status: criteria provided, single submitter. Criteria: GeneDx Variant Classification Process June 2021. Collection method: clinical testing. Allele origin: germline. Affected: yes.
Comment: Not observed at significant frequency in large population cohorts (gnomAD); In silico analysis supports that this missense variant does not alter protein structure/function; Has not been previously published as pathogenic or benign to our knowledge